The following is an entry in ClinVar:

NM_001999.4(FBN2):c.437-1G>A

Gene: FBN2 (fibrillin 2; minus strand). Cytogenetic location: 5q23.3.
Variant type: single nucleotide variant.
Coding change: c.437-1G>A on transcript NM_001999.4 (MANE Select); the canonical splice acceptor site of the intron before coding-DNA position 437, G replaced by A.
Molecular consequence: splice acceptor variant.
Genome position (GRCh38, 1-based): chr5:128,527,968, C>T on the plus strand (G>A on the coding strand, the complement: FBN2 is on the minus strand). VCF-style: chr5-128527968-C-T. GRCh37 (hg19) VCF-style: chr5-127863661-C-T.
Identifiers: ClinVar variation 1315231 (VCV001315231.5), dbSNP rs1180913191, ClinGen allele CA360758690.
Genomic context (GRCh38, chr5:128,527,968, plus strand): 5'-ACTGGCAGTGGTCATCTGCACAGGTCCCACCATTCATGCATCTCACACTGCACTGCTGAA[C>T]TGCAAAGAGCAATAACAAAAAGTATAAAAACATCAGTCATCAAAATTATAGTATATGTGA-3'

ClinVar aggregate classification (germline): Uncertain significance. Review status: criteria provided, multiple submitters, no conflicts (2 of 4 stars). 2 submissions from 2 submitters: Uncertain significance (2). Last evaluated 2025-01-30.

Conditions:
Congenital contractural arachnodactyly (CCA). Also called: Arthrogryposis, distal, type 9; BEALS SYNDROME; Beals-Hecht syndrome. Identifiers: Orphanet 115, MedGen C0220668, MONDO:0007363, OMIM 121050.

Allele frequency attached by ClinVar (database versions not stated): gnomAD exomes below 0.00001 and 0.00001.

Submissions (2):

Labcorp Genetics (formerly Invitae), Labcorp
Classification: Uncertain significance for Congenital contractural arachnodactyly. Last evaluated: 2025-01-30. Review status: criteria provided, single submitter. Criteria: Invitae Variant Classification Sherloc (09022015). Collection method: clinical testing. Allele origin: germline.
Comment: This sequence change affects an acceptor splice site in intron 3 of the FBN2 gene. It is expected to disrupt RNA splicing. Variants that disrupt the donor or acceptor splice site typically lead to a loss of protein function (PMID: 16199547), however the current clinical and genetic evidence is not sufficient to establish whether loss-of-function variants in FBN2 cause disease. This variant is present in population databases (no rsID available, gnomAD 0.0009%). This variant has not been reported in the literature in individuals affected with FBN2-related conditions. ClinVar contains an entry for this variant (Variation ID: 1315231). Algorithms developed to predict the effect of sequence changes on RNA splicing suggest that this variant may disrupt the consensus splice site. In summary, the available evidence is currently insufficient to determine the role of this variant in disease. Therefore, it has been classified as a Variant of Uncertain Significance.

GeneDx
Classification: Uncertain significance. Last evaluated: 2020-01-31. Review status: criteria provided, single submitter. Criteria: GeneDx Variant Classification Process June 2021. Collection method: clinical testing. Allele origin: germline. Affected: yes.
Comment: Has not been previously published as pathogenic or benign to our knowledge; Not observed at a significant frequency in large population cohorts (Lek et al., 2016); Canonical splice site variant with an unclear effect on protein function

Literature cited by the submitters: PubMed 16199547 (cited by Labcorp Genetics (formerly Invitae), Labcorp).